The following is an entry in ClinVar:

ClinVar aggregate classification (germline): Pathogenic (1 of 4 stars; one submission).

Submission:

Quest Diagnostics Nichols Institute San Juan Capistrano
Classification: Pathogenic. Last evaluated: 2021-07-07. Review status: criteria provided, single submitter. Criteria: ACMG/ClinGen CNV Guidelines, 2019. Collection method: clinical testing. Allele origin: unknown.
Comment: The copy number loss of 7q11.22 involves approximately exons 7-11 of AUTS2 (OMIM 607270; NM_015570.4; 19 exons). Haploinsufficiency of AUTS2 due to loss-of-function sequence variants and disruptive deletions/insertions is associated with intellectual disability-26 (MRD26; OMIM 615834), an autosomal dominant disorder characterized by variable neurodevelopmental phenotypes, including intellectual disability, developmental delay and autism, with or without other congenital malformations, such as microcephaly, short stature, or facial dysmorphism. Reported AUTS2 variants have been de novo or inherited from an affected or apparently healthy parent. (Stojanovic et al., J Child Neurol. 2020 Feb;35(2):116-131. PMID: 31623504; Beunders et al., J Med Genet. 2016 Apr 13, PMID:27075013; Fan et al., Am J Med Genet A. 2016 Feb;170A(2):515-522. PMID: 26545289; Bartnik et al., Dev Period Med. 2014 Jul-Sep;18(3):307-17. PMID: 25182394; Beunders et al., Am J Hum Genet. 2013 Feb 7;92(2):210-20 PMID: 23332918; Nagamani et al., Eur J Hum Genet. 2013 Mar;21(3):343-6. PMID: 22872102; Amarillo et al., Am J Med Genet A. 2014 Apr;164A(4):958-65.). PMID: 24459036).

GRCh37/hg19 7q11.22(chr7:70188374-70236724)x1

Gene: AUTS2 (activator of transcription and developmental regulator AUTS2; plus strand). Cytogenetic location: 7q11.22.
Variant type: copy number loss.
Change: copy number 1 (one copy instead of two) of chr7:70,188,374-70,236,724 (48.4 kb, GRCh37 coordinates, 1-based), cytogenetic band 7q11.22.
Identifiers: ClinVar variation 563267 (VCV000563267.2).